The following is an entry in ClinVar:

NM_198586.3(NHLRC1):c.356C>T (p.Thr119Ile)

Gene: NHLRC1 (NHL repeat containing E3 ubiquitin protein ligase 1; minus strand). Cytogenetic location: 6p22.3.
Variant type: single nucleotide variant.
Coding change: c.356C>T on transcript NM_198586.3 (MANE Select); coding-DNA position 356, C replaced by T.
Protein change: p.Thr119Ile; replaces threonine 119 with isoleucine.
Molecular consequence: missense variant.
Genome position (GRCh38, 1-based): chr6:18,122,251, G>A on the plus strand (C>T on the coding strand, the complement: NHLRC1 is on the minus strand). VCF-style: chr6-18122251-G-A. GRCh37 (hg19) VCF-style: chr6-18122482-G-A.
Other names: short protein forms T119I.
Identifiers: ClinVar variation 1011608 (VCV001011608.9), dbSNP rs1783751214, ClinGen allele CA362828707.

ClinVar aggregate classification (germline): Uncertain significance (1 of 4 stars; one submission).

Conditions:
Lafora disease. Also called: Epilepsy progressive myoclonic 2; Progressive Myoclonus Epilepsy, Lafora Type. Identifiers: Orphanet 501, MedGen C0751783, MONDO:0009697.

Submission:

Labcorp Genetics (formerly Invitae), Labcorp
Classification: Uncertain significance for Lafora disease. Last evaluated: 2020-06-04. Review status: criteria provided, single submitter. Criteria: Invitae Variant Classification Sherloc (09022015). Collection method: clinical testing. Allele origin: germline.
Comment: In summary, the available evidence is currently insufficient to determine the role of this variant in disease. Therefore, it has been classified as a Variant of Uncertain Significance. Algorithms developed to predict the effect of missense changes on protein structure and function (SIFT, PolyPhen-2, Align-GVGD) all suggest that this variant is likely to be tolerated, but these predictions have not been confirmed by published functional studies and their clinical significance is uncertain. This variant has not been reported in the literature in individuals with NHLRC1-related conditions. This variant is not present in population databases (ExAC no frequency). This sequence change replaces threonine with isoleucine at codon 119 of the NHLRC1 protein (p.Thr119Ile). The threonine residue is weakly conserved and there is a moderate physicochemical difference between threonine and isoleucine.